The following is an entry in ClinVar:

NM_032228.6(FAR1):c.355G>A (p.Glu119Lys)

Gene: FAR1 (fatty acyl-CoA reductase 1; plus strand). Cytogenetic location: 11p15.3.
Variant type: single nucleotide variant.
Coding change: c.355G>A on transcript NM_032228.6 (MANE Select); coding-DNA position 355, G replaced by A.
Protein change: p.Glu119Lys; replaces glutamic acid 119 with lysine.
Molecular consequence: missense variant.
Genome position (GRCh38, 1-based): chr11:13,700,482, G>A. VCF-style: chr11-13700482-G-A. GRCh37 (hg19) VCF-style: chr11-13722029-G-A.
Other names: c.355G>A, p.Glu119Lys (NM_001441242.1, NM_001441243.1, NM_001441244.1 and 6 more transcripts); short protein forms E119K.
Identifiers: ClinVar variation 4741794 (VCV004741794.1).
Genomic context (GRCh38, chr11:13,700,482, plus strand): 5'-GAGGTGATCATAGATTCTACCAATATTATATTCCACTGTGCAGCTACAGTAAGGTTTAAT[G>A]AAAATTTAAGGTAAGTACAAGTAATTATATAATATTTGAACTTCAGTATAGTTATTAAAA-3'
Protein context (NP_115604.1, residues 109-129): FHCAATVRFN[Glu119Lys]NLRDAVQLNV

ClinVar aggregate classification (germline): Uncertain significance (1 of 4 stars; one submission).

Submission:

Labcorp Genetics (formerly Invitae), Labcorp
Classification: Uncertain significance. Last evaluated: 2026-01-19. Review status: criteria provided, single submitter. Criteria: Invitae Variant Classification Sherloc (09022015). Collection method: clinical testing. Allele origin: germline.
Comment: This sequence change replaces glutamic acid, which is acidic and polar, with lysine, which is basic and polar, at codon 119 of the FAR1 protein (p.Glu119Lys). This variant is not present in population databases (gnomAD no frequency). This variant has not been reported in the literature in individuals affected with FAR1-related conditions. Invitae Evidence Modeling of protein sequence and biophysical properties (such as structural, functional, and spatial information, amino acid conservation, physicochemical variation, residue mobility, and thermodynamic stability) has been performed for this missense variant. However, the output from this modeling did not meet the statistical confidence thresholds required to predict the impact of this variant on FAR1 protein function. In summary, the available evidence is currently insufficient to determine the role of this variant in disease. Therefore, it has been classified as a Variant of Uncertain Significance.